The following is an entry in ClinVar:

NM_006593.4(TBR1):c.822C>G (p.Cys274Trp)

Gene: TBR1 (T-box brain transcription factor 1; plus strand). Cytogenetic location: 2q24.2.
Variant type: single nucleotide variant.
Coding change: c.822C>G on transcript NM_006593.4 (MANE Select); coding-DNA position 822, C replaced by G.
Protein change: p.Cys274Trp; replaces cysteine 274 with tryptophan.
Molecular consequence: missense variant.
Genome position (GRCh38, 1-based): chr2:161,417,805, C>G. VCF-style: chr2-161417805-C-G. GRCh37 (hg19) VCF-style: chr2-162274316-C-G.
Other names: short protein forms C274W.
Identifiers: ClinVar variation 1307496 (VCV001307496.3), dbSNP rs1553510307, ClinGen allele CA349212289.

ClinVar aggregate classification (germline): Uncertain significance (1 of 4 stars; one submission).

Submission:

GeneDx
Classification: Uncertain significance. Last evaluated: 2024-05-30. Review status: criteria provided, single submitter. Criteria: GeneDx Variant Classification Process June 2021. Collection method: clinical testing. Allele origin: germline. Affected: yes.
Comment: Not observed in large population cohorts (gnomAD); In silico analysis supports that this missense variant has a deleterious effect on protein structure/function; Has not been previously published as pathogenic or benign to our knowledge